The following is an entry in ClinVar:

NM_198075.4(LRRC56):c.1567G>C (p.Asp523His)

Gene: LRRC56 (leucine rich repeat containing 56; plus strand). Cytogenetic location: 11p15.5.
Variant type: single nucleotide variant.
Coding change: c.1567G>C on transcript NM_198075.4 (MANE Select); coding-DNA position 1567, G replaced by C.
Protein change: p.Asp523His; replaces aspartic acid 523 with histidine.
Molecular consequence: missense variant.
Genome position (GRCh38, 1-based): chr11:554,214, G>C. VCF-style: chr11-554214-G-C. GRCh37 (hg19) VCF-style: chr11-554214-G-C.
Other names: short protein forms D523H.
Identifiers: ClinVar variation 1278878 (VCV001278878.15), dbSNP rs10902171, ClinGen allele CA5780139.

ClinVar aggregate classification (germline): Benign. Review status: criteria provided, multiple submitters, no conflicts (2 of 4 stars). 6 submissions from 6 submitters: Benign (5). 1 of the submissions does not count toward it. Last evaluated 2026-02-04.

Conditions:
LRRC56-related disorder. Also called: LRRC56-related condition.
Ciliary dyskinesia, primary, 39. Also called: CILIARY DYSKINESIA, PRIMARY, 39, WITH OR WITHOUT SITUS INVERSUS. Identifiers: MedGen C4748841, MONDO:0032637, OMIM 618254.

Allele frequency attached by ClinVar (database versions not stated): ESP Exome Variant Server 0.78478; 1000 Genomes Project 30x 0.78888; 1000 Genomes Project 0.79153; TOPMed 0.79280; gnomAD 0.79385 and 0.79519; gnomAD exomes 0.80916; ExAC 0.81713.
gnomAD v4.1: 1,249,288 of 1,533,232 alleles (81%); highest among the groups gnomAD compares: East Asian, 89%; 510,154 homozygotes.

Submissions (6):

Labcorp Genetics (formerly Invitae), Labcorp
Classification: Benign. Last evaluated: 2026-02-04. Review status: criteria provided, single submitter. Criteria: Invitae Variant Classification Sherloc (09022015). Collection method: clinical testing. Allele origin: germline.

Blueprint Genetics
Classification: Benign. Last evaluated: 2024-11-27. Review status: criteria provided, single submitter. Criteria: ACMG Guidelines, 2015. Collection method: clinical testing. Allele origin: germline.

Genome-Nilou Lab
Classification: Benign for Ciliary dyskinesia, primary, 39. Last evaluated: 2021-08-19. Review status: criteria provided, single submitter. Criteria: ACMG Guidelines, 2015. Collection method: clinical testing. Allele origin: germline. Affected: no.

GeneDx
Classification: Benign. Last evaluated: 2020-09-28. Review status: criteria provided, single submitter. Criteria: GeneDx Variant Classification Process June 2021. Collection method: clinical testing. Allele origin: germline. Affected: yes.

Breakthrough Genomics
Classification: Benign. Review status: criteria provided, single submitter. Criteria: ACMG Guidelines, 2015. Collection method: not provided. Allele origin: germline. Inheritance: Autosomal recessive inheritance. Affected: yes.

PreventionGenetics, part of Exact Sciences
Classification: Benign for LRRC56-related condition. Last evaluated: 2019-10-17. Review status: no assertion criteria provided. Collection method: clinical testing. Allele origin: germline. Not counted in ClinVar's aggregate classification.
Comment: This variant is classified as benign based on ACMG/AMP sequence variant interpretation guidelines (Richards et al. 2015 PMID: 25741868, with internal and published modifications).